The following is an entry in ClinVar:

ClinVar aggregate classification (germline): Uncertain significance (1 of 4 stars; one submission).

Conditions:
Paroxysmal nonkinesigenic dyskinesia. Also called: Paroxysmal non-kinesigenic dyskinesia. Identifiers: Orphanet 98810, MedGen C1869117, MONDO:0700088.

Submission:

Labcorp Genetics (formerly Invitae), Labcorp
Classification: Uncertain significance for Paroxysmal nonkinesigenic dyskinesia. Last evaluated: 2022-08-23. Review status: criteria provided, single submitter. Criteria: Invitae Variant Classification Sherloc (09022015). Collection method: clinical testing. Allele origin: germline.
Comment: In summary, the available evidence is currently insufficient to determine the role of this variant in disease. Therefore, it has been classified as a Variant of Uncertain Significance. This variant has not been reported in the literature in individuals affected with PNKD-related conditions. This variant is not present in population databases (gnomAD no frequency). This sequence change creates a premature translational stop signal (p.Asn17Profs*13) in the PNKD gene. It is expected to result in an absent or disrupted protein product. However, the current clinical and genetic evidence is not sufficient to establish whether loss-of-function variants in PNKD cause disease.

NM_015488.5(PNKD):c.49_53del (p.Asn17fs)

Genes: PNKD (PNKD metallo-beta-lactamase domain containing; plus strand), LOC129935594 (ATAC-STARR-seq lymphoblastoid active region 17117; plus strand). Cytogenetic location: 2q35.
Variant type: Deletion.
Coding change: c.49_53del on transcript NM_015488.5 (MANE Select); coding-DNA positions 49 to 53, 5 bases deleted (AATGC; older notation c.49_53delAATGC).
Protein change: p.Asn17fs; shifts the reading frame from asparagine 17.
Molecular consequence: frameshift variant.
Genome position (GRCh38, 1-based): chr2:218,270,584-218,270,588, AATGC deleted. VCF-style (leftmost placement, unchanged base first): chr2-218270583-AAATGC-A. GRCh37 (hg19) VCF-style: chr2-219135306-AAATGC-A.
Other names: c.49_53del, p.Asn17fs (NM_001077399.3); short protein forms N17fs.
Identifiers: ClinVar variation 2090066 (VCV002090066.4), dbSNP rs2469254270, ClinGen allele CA2580065686.
Genomic context (GRCh38, chr2:218,270,583, plus strand): 5'-GTGGGATCTGAACATGGCGGCGGTGGTAGCTGCTACGGCGCTGAAGGGCCGGGGGGCGAG[AAATGC>A]CCGCGTCCTCCGGGGTAAGGAGAGGGACCCCGGGGAGGGCAGGACTGCAGAAGATCCCTT-3'